The following is an entry in ClinVar:

NM_000051.4(ATM):c.6730dup (p.Arg2244fs)

Genes: ATM (ATM serine/threonine kinase; plus strand), C11orf65 (chromosome 11 open reading frame 65; minus strand). Cytogenetic location: 11q22.3.
Variant type: Duplication.
Coding change: c.6730dup on transcript NM_000051.4 (MANE Select); coding-DNA position 6730, one base duplicated (A; older notation c.6730dupA).
Protein change: p.Arg2244fs; shifts the reading frame from arginine 2244.
Molecular consequence: frameshift variant. On other transcripts: intron variant (2).
Genome position (GRCh38, 1-based): chr11:108,325,467, A duplicated; the last of 3 consecutive A bases (chr11:108,325,465-108,325,467); duplicating any one gives the same sequence. VCF-style (leftmost placement, unchanged base first): chr11-108325464-C-CA. GRCh37 (hg19) VCF-style: chr11-108196191-C-CA.
Other names: c.6730dupA (NM_000051.3); c.6730dup, p.Arg2244fs (NM_001351834.2); c.641-16394dup (NM_001330368.2); c.*38+9755dup (NM_001351110.2); short protein forms R2244fs.
Identifiers: ClinVar variation 421980 (VCV000421980.6), dbSNP rs1060501543, ClinGen allele CA16619219.

ClinVar aggregate classification (germline): Pathogenic/Likely pathogenic. Review status: criteria provided, multiple submitters, no conflicts (2 of 4 stars). 3 submissions from 3 submitters: Pathogenic (2); Likely pathogenic (1). Last evaluated 2023-10-30.

Conditions:
Hereditary cancer-predisposing syndrome. Also called: Neoplastic Syndromes, Hereditary; Hereditary Cancer Syndrome; Tumor predisposition; Hereditary neoplastic syndrome. Identifiers: Orphanet 140162, MedGen C0027672, MeSH D009386, MONDO:0015356.
Familial cancer of breast. Also called: Hereditary breast cancer; BREAST CANCER, FAMILIAL; hereditary breast carcinoma. Identifiers: Orphanet 227535, MedGen C0346153, MONDO:0016419, OMIM 114480. Disease mechanism: loss of function.

Submissions (3):

Ambry Genetics
Classification: Pathogenic for Hereditary cancer-predisposing syndrome. Last evaluated: 2023-10-30. Review status: criteria provided, single submitter. Criteria: Ambry Variant Classification Scheme 2023. Collection method: clinical testing. Allele origin: germline.
Comment: The c.6730dupA pathogenic mutation, located in coding exon 45 of the ATM gene, results from a duplication of A at nucleotide position 6730, causing a translational frameshift with a predicted alternate stop codon (p.R2244Kfs*5). This alteration is expected to result in loss of function by premature protein truncation or nonsense-mediated mRNA decay. As such, this alteration is interpreted as a disease-causing mutation.

Myriad Genetics, Inc.
Classification: Pathogenic for Familial cancer of breast. Last evaluated: 2023-01-13. Review status: criteria provided, single submitter. Criteria: Myriad Autosomal Dominant, Autosomal Recessive and X-Linked Classification Criteria (2023). Collection method: clinical testing. Allele origin: unknown.
Comment: This variant is considered pathogenic. This variant creates a frameshift predicted to result in premature protein truncation.

GeneDx
Classification: Likely pathogenic. Last evaluated: 2016-08-15. Review status: criteria provided, single submitter. Criteria: GeneDx Variant Classification (06012015). Collection method: clinical testing. Allele origin: germline. Affected: yes.
Comment: This duplication of one nucleotide in ATM is denoted c.6730dupA at the cDNA level and p.Arg2244LysfsX5 (R2244KfsX5) at the protein level. The normal sequence, with the base that is duplicated in braces, is ACAA[A]GAGA. The duplication causes a frameshift which changes an Arginine to a Lysine at codon 2244, and creates a premature stop codon at position 5 of the new reading frame. Although this variant has not, to our knowledge, been reported in the literature, it is predicted to cause loss of normal protein function through either protein truncation or nonsense-mediated mRNA decay. Based on the currently available information, we consider this duplication to be a likely pathogenic variant.